The following is an entry in ClinVar:

ClinVar aggregate classification (germline): Uncertain significance. Review status: criteria provided, single submitter (1 of 4 stars). 2 submissions from 2 submitters: Uncertain significance (1). 1 of the submissions does not count toward it. Last evaluated 2022-10-03.

Conditions:
MMP21-related disorder. Also called: MMP21-related condition.

Allele frequency attached by ClinVar (database versions not stated): gnomAD 0.00003; ESP Exome Variant Server 0.00008; TOPMed 0.00009; ExAC 0.00013.
gnomAD v4.1: 59 of 1,614,138 alleles (0.0037%); highest among the groups gnomAD compares: Admixed American, 0.097%; no homozygotes.

Submissions (2):

GeneDx
Classification: Uncertain significance. Last evaluated: 2022-10-03. Review status: criteria provided, single submitter. Criteria: GeneDx Variant Classification Process June 2021. Collection method: clinical testing. Allele origin: germline. Affected: yes.
Comment: In silico analysis supports that this missense variant does not alter protein structure/function; Has not been previously published as pathogenic or benign to our knowledge

PreventionGenetics, part of Exact Sciences
Classification: Uncertain significance for MMP21-related condition. Last evaluated: 2024-01-19. Review status: no assertion criteria provided. Collection method: clinical testing. Allele origin: germline. Not counted in ClinVar's aggregate classification.
Comment: The MMP21 c.832C>G variant is predicted to result in the amino acid substitution p.Leu278Val. To our knowledge, this variant has not been reported in the literature. At PreventionGenetics, we have observed this variant with a second nonsense variant in MMP21 and in the homozygous state in patients with heterotaxy (internal data). This variant is reported in 0.13% of alleles in individuals of Latino descent in gnomAD. Although we suspect this variant may be pathogenic, at this time, the clinical significance of this variant is uncertain due to the absence of conclusive functional and genetic evidence.

NM_147191.1(MMP21):c.832C>G (p.Leu278Val)

Gene: MMP21 (matrix metallopeptidase 21; minus strand). Cytogenetic location: 10q26.2.
Variant type: single nucleotide variant.
Coding change: c.832C>G on transcript NM_147191.1 (MANE Select); coding-DNA position 832, C replaced by G.
Protein change: p.Leu278Val; replaces leucine 278 with valine.
Molecular consequence: missense variant.
Genome position (GRCh38, 1-based): chr10:125,772,616, G>C on the plus strand (C>G on the coding strand, the complement: MMP21 is on the minus strand). VCF-style: chr10-125772616-G-C. GRCh37 (hg19) VCF-style: chr10-127461185-G-C.
Other names: short protein forms L278V.
Identifiers: ClinVar variation 2446529 (VCV002446529.3), dbSNP rs372964808, ClinGen allele CA5738100.